The following is an entry in ClinVar:

ClinVar aggregate classification (germline): Pathogenic. Review status: criteria provided, multiple submitters, no conflicts (2 of 4 stars). 2 submissions from 2 submitters: Pathogenic (2). Last evaluated 2023-12-19.

Conditions:
Hereditary cancer-predisposing syndrome. Also called: Hereditary Cancer Syndrome; Neoplastic Syndromes, Hereditary; Hereditary neoplastic syndrome; Tumor predisposition. Identifiers: Orphanet 140162, MedGen C0027672, MeSH D009386, MONDO:0015356.
Carney-Stratakis syndrome. Also called: PARAGANGLIOMA AND GASTROINTESTINAL STROMAL TUMOR. Identifiers: Orphanet 97286, MedGen C1847319, MONDO:0011740, OMIM 606864.
Pheochromocytoma. Also called: MAX-Related Hereditary Paraganglioma-Pheochromocytoma Syndrome. Identifiers: Orphanet 29072, MedGen C0031511, MONDO:0008233, OMIM 171300, HP:0002666.
Paragangliomas with sensorineural hearing loss. Identifiers: MedGen C1868633.
Cowden syndrome 3 (CWS3). Identifiers: Orphanet 201, MedGen CN166604, MONDO:0014045.

Submissions (2):

Ambry Genetics
Classification: Pathogenic for Hereditary cancer-predisposing syndrome. Last evaluated: 2023-12-19. Review status: criteria provided, single submitter. Criteria: Ambry Variant Classification Scheme 2023. Collection method: clinical testing. Allele origin: germline.
Comment: The c.352delG pathogenic mutation, located in coding exon 4 of the SDHD gene, results from a deletion of one nucleotide at nucleotide position 352, causing a translational frameshift with a predicted alternate stop codon (p.D118Mfs*17). This alteration has been observed in at least one individual with a personal and/or family history that is consistent with SDHD-related disease, including a patient with a SDH-deficient gastrointestinal stromal tumor (GIST) (Ambry internal data; Miettinen M et al. Am. J. Surg. Pathol., 2013 Feb;37:234-40). This variant is considered to be rare based on population cohorts in the Genome Aggregation Database (gnomAD). This alteration occurs at the 3' terminus of theSDHD gene, is not expected to trigger nonsense-mediated mRNA decay, and only impacts the last 42 amino acids of the protein. However, premature stop codons are typically deleterious in nature, a significant portion of the protein is affected, and the impacted region is critical for protein function (Ambry internal data). Based on the supporting evidence, this alteration is interpreted as a disease-causing mutation.

Labcorp Genetics (formerly Invitae), Labcorp
Classification: Pathogenic for Carney-Stratakis syndrome; Paragangliomas with sensorineural hearing loss; Pheochromocytoma; Cowden syndrome 3. Last evaluated: 2020-10-04. Review status: criteria provided, single submitter. Criteria: Invitae Variant Classification Sherloc (09022015). Collection method: clinical testing. Allele origin: germline.
Comment: This sequence change results in a premature translational stop signal in the SDHD gene (p.Asp118Metfs*17). While this is not anticipated to result in nonsense mediated decay, it is expected to disrupt the last 42 amino acid(s) of the SDHD protein. This variant is not present in population databases (ExAC no frequency). This variant has been observed in individual(s) with gastrointestinal stromal tumor syndrome and paraganglioma (PMID: 23282968, Invitae). ClinVar contains an entry for this variant (Variation ID: 428938). This variant disrupts the p.Gly138 amino acid residue in SDHD. Other variant(s) that disrupt this residue have been determined to be pathogenic (PMID: 29875428, 31492822, Invitae). This suggests that this residue is clinically significant, and that variants that disrupt this residue are likely to be disease-causing. For these reasons, this variant has been classified as Pathogenic.

Literature cited by the submitters: PubMed 23282968 (cited by Ambry Genetics and Labcorp Genetics (formerly Invitae), Labcorp); PubMed 29875428 (cited by Labcorp Genetics (formerly Invitae), Labcorp); PubMed 31492822 (cited by Labcorp Genetics (formerly Invitae), Labcorp).

NM_003002.4(SDHD):c.352del (p.Asp118fs)

Gene: SDHD (succinate dehydrogenase complex subunit D; plus strand). Cytogenetic location: 11q23.1.
Variant type: Deletion.
Coding change: c.352del on transcript NM_003002.4 (MANE Select); coding-DNA position 352, one base deleted (G; older notation c.352delG).
Protein change: p.Asp118fs; shifts the reading frame from aspartic acid 118.
Molecular consequence: frameshift variant. On other transcripts: 3 prime UTR variant (1), non-coding transcript variant (1).
Genome position (GRCh38, 1-based): chr11:112,094,842, G deleted; the last of 4 consecutive G bases (chr11:112,094,839-112,094,842); deleting any one gives the same sequence. VCF-style (leftmost placement, unchanged base first): chr11-112094838-TG-T. GRCh37 (hg19) VCF-style: chr11-111965562-TG-T.
Other names: c.207del, p.Met70fs (NM_001276503.2); c.235del, p.Asp79fs (NM_001276504.2); c.*50del (NM_001276506.2); short protein forms M70fs, D118fs, D79fs.
Identifiers: ClinVar variation 428938 (VCV000428938.15), dbSNP rs1131691064, ClinGen allele CA645369585.